The following is an entry in ClinVar:

NM_002381.5(MATN3):c.945C>T (p.His315=)

Genes: MATN3 (matrilin 3; minus strand), WDR35-DT (WDR35 divergent transcript; plus strand). Cytogenetic location: 2p24.1.
Variant type: single nucleotide variant.
Coding change: c.945C>T on transcript NM_002381.5 (MANE Select); coding-DNA position 945, C replaced by T.
Protein change: p.His315=; no amino-acid change (histidine 315 retained).
Molecular consequence: synonymous variant.
Genome position (GRCh38, 1-based): chr2:20,002,052, G>A on the plus strand (C>T on the coding strand, the complement: MATN3 is on the minus strand). VCF-style: chr2-20002052-G-A. GRCh37 (hg19) VCF-style: chr2-20201813-G-A.
Identifiers: ClinVar variation 709045 (VCV000709045.20), dbSNP rs77146641, ClinGen allele CA1543843.

ClinVar aggregate classification (germline): Likely benign. Review status: criteria provided, multiple submitters, no conflicts (2 of 4 stars). 6 submissions from 6 submitters: Likely benign (6). Last evaluated 2026-05-12.

Conditions:
Multiple epiphyseal dysplasia type 5 (EDM5). Also called: Microepiphyseal dysplasia, bilateral hereditary; MATN3-Related Multiple Epiphyseal Dysplasia. Identifiers: Orphanet 93311, MedGen C1846843, MONDO:0011765, OMIM 607078.
Connective tissue disorder. Also called: Connective tissue disease. Identifiers: MedGen C0009782, MONDO:0003900.

Allele frequency attached by ClinVar (database versions not stated): 1000 Genomes Project 0.00020; 1000 Genomes Project 30x 0.00031; gnomAD exomes 0.00052 and 0.00092; ExAC 0.00053; ESP Exome Variant Server 0.00065; TOPMed 0.00074; gnomAD 0.00086 and 0.00088.
gnomAD v4.1: 1,488 of 1,613,112 alleles (0.092%); highest among the groups gnomAD compares: Non-Finnish European, 0.11%; 1 homozygote.

Submissions (6):

Women's Health and Genetics/Laboratory Corporation of America, LabCorp
Classification: Likely benign. Last evaluated: 2026-05-12. Review status: criteria provided, single submitter. Criteria: LabCorp Variant Classification Summary - May 2015. Collection method: clinical testing. Allele origin: germline.

Labcorp Genetics (formerly Invitae), Labcorp
Classification: Likely benign. Last evaluated: 2025-11-17. Review status: criteria provided, single submitter. Criteria: Invitae Variant Classification Sherloc (09022015). Collection method: clinical testing. Allele origin: germline.

Blueprint Genetics
Classification: Likely benign. Last evaluated: 2024-11-07. Review status: criteria provided, single submitter. Criteria: ACMG Guidelines, 2015. Collection method: clinical testing. Allele origin: germline.

Genome Diagnostics Laboratory, The Hospital for Sick Children
Classification: Likely benign for Connective tissue disorder. Last evaluated: 2022-04-25. Review status: criteria provided, single submitter. Criteria: ACMG Guidelines, 2015. Collection method: clinical testing. Allele origin: germline.

Illumina Laboratory Services, Illumina
Classification: Likely benign for Multiple epiphyseal dysplasia type 5. Last evaluated: 2018-01-12. Review status: criteria provided, single submitter. Criteria: ICSL Variant Classification Criteria 13 December 2019. Collection method: clinical testing. Allele origin: germline.
Comment: This variant was observed in the ICSL laboratory as part of a predisposition screen in an ostensibly healthy population. It had not been previously curated by ICSL or reported in the Human Gene Mutation Database (HGMD: prior to June 1st, 2018), and was therefore a candidate for classification through an automated scoring system. Utilizing variant allele frequency, disease prevalence and penetrance estimates, and inheritance mode, an automated score was calculated to assess if this variant is too frequent to cause the disease. Based on the score and internal cut-off values, a variant classified as likely benign is not then subjected to further curation. The score for this variant resulted in a classification of likely benign for this disease.

Breakthrough Genomics
Classification: Likely benign. Review status: criteria provided, single submitter. Criteria: ACMG Guidelines, 2015. Collection method: not provided. Allele origin: germline. Inheritance: Autosomal recessive inheritance. Affected: yes.